The following is an entry in ClinVar:

NM_005687.5(FARSB):c.1757G>T (p.Gly586Val)

Gene: FARSB (phenylalanyl-tRNA synthetase subunit beta; minus strand). Cytogenetic location: 2q36.1.
Variant type: single nucleotide variant.
Coding change: c.1757G>T on transcript NM_005687.5 (MANE Select); coding-DNA position 1757, G replaced by T.
Protein change: p.Gly586Val; replaces glycine 586 with valine.
Molecular consequence: missense variant. On other transcripts: non-coding transcript variant (1).
Genome position (GRCh38, 1-based): chr2:222,571,884, C>A on the plus strand (G>T on the coding strand, the complement: FARSB is on the minus strand). VCF-style: chr2-222571884-C-A. GRCh37 (hg19) VCF-style: chr2-223436603-C-A.
Other names: short protein forms G586V.
Identifiers: ClinVar variation 1992143 (VCV001992143.3), dbSNP rs141988189, ClinGen allele CA2136268.

ClinVar aggregate classification (germline): Uncertain significance (1 of 4 stars; one submission).

Allele frequency attached by ClinVar (database versions not stated): gnomAD exomes 0.00001; ExAC 0.00002; gnomAD 0.00005; TOPMed 0.00006; ESP Exome Variant Server 0.00008.
gnomAD v4.1: 17 of 1,612,480 alleles (0.0011%); highest among the groups gnomAD compares: African/African-American, 0.015%; no homozygotes.

Submission:

Labcorp Genetics (formerly Invitae), Labcorp
Classification: Uncertain significance. Last evaluated: 2024-02-24. Review status: criteria provided, single submitter. Criteria: Invitae Variant Classification Sherloc (09022015). Collection method: clinical testing. Allele origin: germline.
Comment: This sequence change replaces glycine, which is neutral and non-polar, with valine, which is neutral and non-polar, at codon 586 of the FARSB protein (p.Gly586Val). This variant is present in population databases (rs141988189, gnomAD 0.02%). This variant has not been reported in the literature in individuals affected with FARSB-related conditions. ClinVar contains an entry for this variant (Variation ID: 1992143). Advanced modeling of protein sequence and biophysical properties (such as structural, functional, and spatial information, amino acid conservation, physicochemical variation, residue mobility, and thermodynamic stability) performed at Invitae indicates that this missense variant is not expected to disrupt FARSB protein function with a negative predictive value of 80%. In summary, the available evidence is currently insufficient to determine the role of this variant in disease. Therefore, it has been classified as a Variant of Uncertain Significance.